The following is an entry in ClinVar:

NM_001291303.3(FAT4):c.7593C>T (p.Asn2531=)

Gene: FAT4 (FAT atypical cadherin 4; plus strand). Cytogenetic location: 4q28.1.
Variant type: single nucleotide variant.
Coding change: c.7593C>T on transcript NM_001291303.3 (MANE Select); coding-DNA position 7593, C replaced by T.
Protein change: p.Asn2531=; no amino-acid change (asparagine 2531 retained).
Molecular consequence: synonymous variant.
Genome position (GRCh38, 1-based): chr4:125,448,603, C>T. VCF-style: chr4-125448603-C-T. GRCh37 (hg19) VCF-style: chr4-126369758-C-T.
Other names: c.7593C>T, p.Asn2531= (NM_001291285.3); c.7587C>T, p.Asn2529= (NM_024582.6).
Identifiers: ClinVar variation 509175 (VCV000509175.8), dbSNP rs367971071, ClinGen allele CA3073226.
Genomic context (GRCh38, chr4:125,448,603, plus strand): 5'-TTCTGAAAAATTTCACATTGACCCACTGAGGGGAGCCATTATGGCCGCCGGACCACTAAA[C>T]GGAGCTTCAGAAGTGACATTTTCTGTGCATGTAAAAGATGGTGGCTCATTTCCAAAGACA-3'
Protein context (NP_001278232.1, residues 2521-2541): RGAIMAAGPL[Asn2531=]GASEVTFSVH

ClinVar aggregate classification (germline): Likely benign. Review status: criteria provided, multiple submitters, no conflicts (2 of 4 stars). 2 submissions from 2 submitters: Likely benign (2). Last evaluated 2026-01-11.

Allele frequency attached by ClinVar (database versions not stated): TOPMed 0.00002; ExAC 0.00006; ESP Exome Variant Server 0.00008.
gnomAD v4.1: 50 of 1,613,826 alleles (0.0031%); highest among the groups gnomAD compares: South Asian, 0.034%; no homozygotes.

Submissions (2):

Labcorp Genetics (formerly Invitae), Labcorp
Classification: Likely benign. Last evaluated: 2026-01-11. Review status: criteria provided, single submitter. Criteria: Invitae Variant Classification Sherloc (09022015). Collection method: clinical testing. Allele origin: germline.

GeneDx
Classification: Likely benign. Last evaluated: 2017-05-01. Review status: criteria provided, single submitter. Criteria: GeneDx Variant Classification (06012015). Collection method: clinical testing. Allele origin: germline. Affected: yes.
Comment: This variant is considered likely benign or benign based on one or more of the following criteria: it is a conservative change, it occurs at a poorly conserved position in the protein, it is predicted to be benign by multiple in silico algorithms, and/or has population frequency not consistent with disease.